The following is an entry in ClinVar:

NM_000179.3(MSH6):c.1380_1382del (p.Phe461del)

Gene: MSH6 (mutS homolog 6; plus strand). Cytogenetic location: 2p16.3.
Variant type: Deletion.
Coding change: c.1380_1382del on transcript NM_000179.3 (MANE Select); coding-DNA positions 1380 to 1382, 3 bases deleted (CTT; older notation c.1380_1382delCTT).
Protein change: p.Phe461del; deletes phenylalanine 461.
Molecular consequence: inframe deletion. On other transcripts: inframe indel (35).
Genome position (GRCh38, 1-based): chr2:47,799,363-47,799,365, CTT deleted. VCF-style (leftmost placement, unchanged base first): chr2-47799362-GCTT-G. GRCh37 (hg19) VCF-style: chr2-48026501-GCTT-G.
Other names: c.990_992del, p.Phe331del (NM_001281492.2); c.474_476del, p.Phe159del (NM_001281493.2, NM_001281494.2); c.1476_1478delCTT, p.Phe493del (NM_001406795.1, NM_001406802.1); c.1380_1382delCTT, p.Phe461del (NM_001406796.1, NM_001406798.1, NM_001406800.1 and 4 more transcripts); c.1083_1085delCTT, p.Phe362del (NM_001406797.1, NM_001406801.1, NM_001406805.1 and 10 more transcripts); c.855_857delCTT, p.Phe286del (NM_001406799.1, NM_001406806.1, NM_001406807.1); c.1302_1304delCTT, p.Phe435del (NM_001406804.1); c.474_476delCTT, p.Phe159del (NM_001406811.1, NM_001406812.1, NM_001406814.1 and 4 more transcripts); and 2 more; short protein forms F331del, F493del, F286del, F362del, F405del, F159del, F435del, F461del.
Identifiers: ClinVar variation 1771267 (VCV001771267.2), dbSNP rs2530606302, ClinGen allele CA2580067579.

ClinVar aggregate classification (germline): Uncertain significance (1 of 4 stars; one submission).

Conditions:
Hereditary cancer-predisposing syndrome. Also called: Hereditary Cancer Syndrome; Hereditary neoplastic syndrome; Neoplastic Syndromes, Hereditary; Tumor predisposition. Identifiers: Orphanet 140162, MedGen C0027672, MeSH D009386, MONDO:0015356.

Submission:

Ambry Genetics
Classification: Uncertain significance for Hereditary cancer-predisposing syndrome. Last evaluated: 2020-06-09. Review status: criteria provided, single submitter. Criteria: Ambry Variant Classification Scheme 2023. Collection method: clinical testing. Allele origin: germline.
Comment: The c.1380_1382delCTT variant (also known as p.F461del) is located in coding exon 4 of the MSH6 gene. This variant results from an in-frame CTT deletion at nucleotide positions 1380 to 1382. This results in the in-frame deletion of a phenylalanine at codon 461. This amino acid position is highly conserved in available vertebrate species. In addition, this alteration is predicted to be deleterious by in silico analysis (Choi Y et al. PLoS ONE. 2012; 7(10):e46688). Since supporting evidence is limited at this time, the clinical significance of this alteration remains unclear.